The following is an entry in ClinVar:

ClinVar aggregate classification (germline): Likely benign. Review status: criteria provided, multiple submitters, no conflicts (2 of 4 stars). 3 submissions from 3 submitters: Likely benign (3). Last evaluated 2026-02-09.

Conditions:
EYA4-related disorder. Also called: EYA4-related condition; EYA4-related disorders. Identifiers: MedGen CN239388.
Cardiovascular phenotype. Identifiers: MedGen CN230736.
Dilated cardiomyopathy 1J (CMD1J). Also called: CARDIOMYOPATHY, DILATED, WITH SENSORINEURAL HEARING LOSS, AUTOSOMAL DOMINANT. Identifiers: Orphanet 217622, MedGen C1854368, MONDO:0011541, OMIM 605362.

Allele frequency attached by ClinVar (database versions not stated): ExAC 0.00002; gnomAD 0.00002; gnomAD exomes 0.00002; TOPMed 0.00002.
gnomAD v4.1: 18 of 1,613,714 alleles (0.0011%); highest among the groups gnomAD compares: Non-Finnish European, 0.0014%; no homozygotes.

Submissions (3):

PreventionGenetics, part of Exact Sciences
Classification: Likely benign for EYA4-related condition. Last evaluated: 2026-02-09. Review status: criteria provided, single submitter. Criteria: ACMG Guidelines, 2015. Collection method: clinical testing. Allele origin: germline.
Comment: This variant is classified as likely benign based on ACMG/AMP sequence variant interpretation guidelines (Richards et al. 2015 PMID: 25741868, with internal and published modifications).

Labcorp Genetics (formerly Invitae), Labcorp
Classification: Likely benign for Dilated cardiomyopathy 1J. Last evaluated: 2025-12-22. Review status: criteria provided, single submitter. Criteria: Invitae Variant Classification Sherloc (09022015). Collection method: clinical testing. Allele origin: germline.

Ambry Genetics
Classification: Likely benign for Cardiovascular phenotype. Last evaluated: 2023-10-19. Review status: criteria provided, single submitter. Criteria: Ambry Variant Classification Scheme 2023. Collection method: clinical testing. Allele origin: germline.

NM_004100.5(EYA4):c.1540T>C (p.Leu514=)

Genes: EYA4 (EYA transcriptional coactivator and phosphatase 4; plus strand), TARID (TCF21 antisense RNA inducing promoter demethylation; minus strand). Cytogenetic location: 6q23.2.
Variant type: single nucleotide variant.
Coding change: c.1540T>C on transcript NM_004100.5 (MANE Select); coding-DNA position 1540, T replaced by C.
Protein change: p.Leu514=; no amino-acid change (leucine 514 retained).
Molecular consequence: synonymous variant.
Genome position (GRCh38, 1-based): chr6:133,515,359, T>C. VCF-style: chr6-133515359-T-C. GRCh37 (hg19) VCF-style: chr6-133836497-T-C.
Other names: c.1540T>C (NM_004100.4); c.1378T>C, p.Leu460= (NM_001301012.2); c.1558T>C, p.Leu520= (NM_001301013.2); c.1471T>C, p.Leu491= (NM_001370458.1, NM_172103.4); c.1396T>C, p.Leu466= (NM_001370459.1); c.1540T>C, p.Leu514= (NM_172105.4).
Identifiers: ClinVar variation 1591561 (VCV001591561.10), dbSNP rs779172500, ClinGen allele CA4008397.
Genomic context (GRCh38, chr6:133,515,359, plus strand): 5'-CCTTGGTTTTTTGGTGTTGCAGGACTCCTTGGCCCTGCCAAGAGGGATGCCTGGCTACAG[T>C]TAAGGGCAGAGATTGAAGGTCTGACAGATTCCTGGCTAACAAATGCACTTAAGTCTTTAT-3'
Protein context (NP_004091.3, residues 504-524): GPAKRDAWLQ[Leu514=]RAEIEGLTDS